The following is an entry in ClinVar:

NM_206933.4(USH2A):c.897A>G (p.Gln299=)

Gene: USH2A (usherin; minus strand). Cytogenetic location: 1q41.
Variant type: single nucleotide variant.
Coding change: c.897A>G on transcript NM_206933.4 (MANE Select); coding-DNA position 897, A replaced by G.
Protein change: p.Gln299=; no amino-acid change (glutamine 299 retained).
Molecular consequence: synonymous variant.
Genome position (GRCh38, 1-based): chr1:216,325,551, T>C on the plus strand (A>G on the coding strand, the complement: USH2A is on the minus strand). VCF-style: chr1-216325551-T-C. GRCh37 (hg19) VCF-style: chr1-216498893-T-C.
Other names: c.897A>G, p.Gln299= (NM_007123.6).
Identifiers: ClinVar variation 517342 (VCV000517342.10), dbSNP rs201062965, ClinGen allele CA1396649.

ClinVar aggregate classification (germline): Likely benign. Review status: criteria provided, multiple submitters, no conflicts (2 of 4 stars). 4 submissions from 3 submitters: Likely benign (4). Last evaluated 2024-02-16.

Conditions:
Retinitis pigmentosa 39 (RP39). Identifiers: Orphanet 791, MedGen C3151138, MONDO:0013436, OMIM 613809.
Usher syndrome type 2A. Also called: RETINAL DISEASE IN USHER SYNDROME TYPE IIA, MODIFIER OF; USHER SYNDROME, TYPE IIA. Identifiers: Orphanet 231178, Orphanet 886, MedGen C1848634, MONDO:0010169, OMIM 276901.

Allele frequency attached by ClinVar (database versions not stated): gnomAD 0.00001; gnomAD exomes 0.00001; ExAC 0.00002; 1000 Genomes Project 30x 0.00016; 1000 Genomes Project 0.00020.
gnomAD v4.1: 7 of 1,613,420 alleles (0.00043%); highest among the groups gnomAD compares: Non-Finnish European, 0.00051%; no homozygotes.

Submissions (4):

Labcorp Genetics (formerly Invitae), Labcorp
Classification: Likely benign. Last evaluated: 2024-02-16. Review status: criteria provided, single submitter. Criteria: Invitae Variant Classification Sherloc (09022015). Collection method: clinical testing. Allele origin: germline.

Genome-Nilou Lab
Classification: Likely benign for Retinitis pigmentosa 39. Last evaluated: 2023-11-04. Review status: criteria provided, single submitter. Criteria: ACMG Guidelines, 2015. Collection method: clinical testing. Allele origin: germline. Affected: no.

Genome-Nilou Lab
Classification: Likely benign for Usher syndrome type 2A. Last evaluated: 2023-11-04. Review status: criteria provided, single submitter. Criteria: ACMG Guidelines, 2015. Collection method: clinical testing. Allele origin: germline. Affected: no.

Laboratory for Molecular Medicine, Mass General Brigham Personalized Medicine
Classification: Likely benign. Last evaluated: 2017-04-14. Review status: criteria provided, single submitter. Criteria: LMM Criteria. Collection method: clinical testing. Allele origin: germline. Observed: 1 variant allele.
Comment: p.Gln299Gln in exon 6 of USH2A: This variant is not expected to have clinical si gnificance because it does not alter an amino acid residue and is not located wi thin the splice consensus sequence. It has been identified in 3/66480 of Europea n chromosomes by the Exome Aggregation Consortium (ExAC; dbSNP rs201062965).